The following is an entry in ClinVar:

ClinVar aggregate classification (germline): Uncertain significance (1 of 4 stars; one submission).

Conditions:
Paroxysmal nonkinesigenic dyskinesia. Also called: Paroxysmal non-kinesigenic dyskinesia. Identifiers: Orphanet 98810, MedGen C1869117, MONDO:0700088.

Allele frequency attached by ClinVar (database versions not stated): gnomAD exomes below 0.00001; gnomAD 0.00001.
gnomAD v4.1: 2 of 1,613,430 alleles (0.00012%); highest among the groups gnomAD compares: Non-Finnish European, 0.000085%; no homozygotes.

Submission:

Labcorp Genetics (formerly Invitae), Labcorp
Classification: Uncertain significance for Paroxysmal nonkinesigenic dyskinesia. Last evaluated: 2022-11-04. Review status: criteria provided, single submitter. Criteria: Invitae Variant Classification Sherloc (09022015). Collection method: clinical testing. Allele origin: germline.
Comment: This sequence change replaces glutamic acid, which is acidic and polar, with aspartic acid, which is acidic and polar, at codon 265 of the PNKD protein (p.Glu265Asp). In summary, the available evidence is currently insufficient to determine the role of this variant in disease. Therefore, it has been classified as a Variant of Uncertain Significance. Algorithms developed to predict the effect of sequence changes on RNA splicing suggest that this variant may create or strengthen a splice site. Advanced modeling of protein sequence and biophysical properties (such as structural, functional, and spatial information, amino acid conservation, physicochemical variation, residue mobility, and thermodynamic stability) performed at Invitae indicates that this missense variant is expected to disrupt PNKD protein function. This variant has not been reported in the literature in individuals affected with PNKD-related conditions. This variant is present in population databases (rs775378496, gnomAD no frequency).

NM_015488.5(PNKD):c.795G>T (p.Glu265Asp)

Genes: CATIP-AS2 (CATIP antisense RNA 2; minus strand), PNKD (PNKD metallo-beta-lactamase domain containing; plus strand). Cytogenetic location: 2q35.
Variant type: single nucleotide variant.
Coding change: c.795G>T on transcript NM_015488.5 (MANE Select); coding-DNA position 795, G replaced by T.
Protein change: p.Glu265Asp; replaces glutamic acid 265 with aspartic acid.
Molecular consequence: missense variant.
Genome position (GRCh38, 1-based): chr2:218,343,513, G>T. VCF-style: chr2-218343513-G-T. GRCh37 (hg19) VCF-style: chr2-219208236-G-T.
Other names: c.723G>T, p.Glu241Asp (NM_022572.5); short protein forms E241D, E265D.
Identifiers: ClinVar variation 2779026 (VCV002779026.3), dbSNP rs775378496, ClinGen allele CA2104113.